The following is an entry in ClinVar:

ClinVar aggregate classification (germline): Uncertain significance (1 of 4 stars; one submission).

Conditions:
Hereditary cancer-predisposing syndrome. Also called: Tumor predisposition; Hereditary neoplastic syndrome; Neoplastic Syndromes, Hereditary; Hereditary Cancer Syndrome. Identifiers: Orphanet 140162, MedGen C0027672, MeSH D009386, MONDO:0015356.

Submission:

Ambry Genetics
Classification: Uncertain significance for Hereditary cancer-predisposing syndrome. Last evaluated: 2025-03-30. Review status: criteria provided, single submitter. Criteria: Ambry Variant Classification Scheme 2023. Collection method: clinical testing. Allele origin: germline.
Comment: The p.G79A variant (also known as c.236G>C), located in coding exon 3 of the EPCAM gene, results from a G to C substitution at nucleotide position 236. The glycine at codon 79 is replaced by alanine, an amino acid with similar properties. This amino acid position is conserved. In addition, this alteration is predicted to be tolerated by in silico analysis. Based on the available evidence, the clinical significance of this variant remains unclear.

NM_002354.3(EPCAM):c.236G>C (p.Gly79Ala)

Gene: EPCAM (epithelial cell adhesion molecule; plus strand). Cytogenetic location: 2p21.
Variant type: single nucleotide variant.
Coding change: c.236G>C on transcript NM_002354.3 (MANE Select); coding-DNA position 236, G replaced by C.
Protein change: p.Gly79Ala; replaces glycine 79 with alanine.
Molecular consequence: missense variant.
Genome position (GRCh38, 1-based): chr2:47,373,859, G>C. VCF-style: chr2-47373859-G-C. GRCh37 (hg19) VCF-style: chr2-47600998-G-C.
Other names: short protein forms G79A.
Identifiers: ClinVar variation 4018562 (VCV004018562.1).
Genomic context (GRCh38, chr2:47,373,859, plus strand): 5'-CTTTTTCAGTGGCTGCCAAATGTTTGGTGATGAAGGCAGAAATGAATGGCTCAAAACTTG[G>C]GAGAAGAGCAAAACCTGAAGGGGCCCTCCAGAACAATGATGGGCTTTATGATCCTGACTG-3'
Protein context (NP_002345.2, residues 69-89): MKAEMNGSKL[Gly79Ala]RRAKPEGALQ